The following is an entry in ClinVar:

NM_032436.4(CHAMP1):c.1738G>A (p.Asp580Asn)

Gene: CHAMP1 (chromosome alignment maintaining phosphoprotein 1; plus strand). Cytogenetic location: 13q34.
Variant type: single nucleotide variant.
Coding change: c.1738G>A on transcript NM_032436.4 (MANE Select); coding-DNA position 1738, G replaced by A.
Protein change: p.Asp580Asn; replaces aspartic acid 580 with asparagine.
Molecular consequence: missense variant.
Genome position (GRCh38, 1-based): chr13:114,325,580, G>A. VCF-style: chr13-114325580-G-A. GRCh37 (hg19) VCF-style: chr13-115091055-G-A.
Other names: c.1738G>A, p.Asp580Asn (NM_001164144.3, NM_001164145.3); short protein forms D580N.
Identifiers: ClinVar variation 4528188 (VCV004528188.1).

ClinVar aggregate classification (germline): Uncertain significance (1 of 4 stars; one submission).

Submission:

GeneDx
Classification: Uncertain significance. Last evaluated: 2025-05-07. Review status: criteria provided, single submitter. Criteria: GeneDx Variant Classification Process June 2021. Collection method: clinical testing. Allele origin: germline. Affected: yes.
Comment: Not observed at significant frequency in large population cohorts (gnomAD); In silico analysis suggests that this missense variant does not alter protein structure/function; Has not been previously published as pathogenic or benign to our knowledge